The following is an entry in ClinVar:

NM_005592.4(MUSK):c.1490T>A (p.Ile497Lys)

Gene: MUSK (muscle associated receptor tyrosine kinase; plus strand). Cytogenetic location: 9q31.3.
Variant type: single nucleotide variant.
Coding change: c.1490T>A on transcript NM_005592.4 (MANE Select); coding-DNA position 1490, T replaced by A.
Protein change: p.Ile497Lys; replaces isoleucine 497 with lysine.
Molecular consequence: missense variant.
Genome position (GRCh38, 1-based): chr9:110,784,920, T>A. VCF-style: chr9-110784920-T-A. GRCh37 (hg19) VCF-style: chr9-113547200-T-A.
Other names: c.1232T>A, p.Ile411Lys (NM_001166280.2); c.1202T>A, p.Ile401Lys (NM_001166281.2); c.230T>A, p.Ile77Lys (NM_001369398.1); short protein forms I77K, I411K, I497K, I401K.
Identifiers: ClinVar variation 1911272 (VCV001911272.5), dbSNP rs2077828158, ClinGen allele CA374475070.

ClinVar aggregate classification (germline): Uncertain significance (1 of 4 stars; one submission).

Conditions:
Fetal akinesia deformation sequence 1 (FADS1). Also called: Pena-Shokeir syndrome type I; Fetal akinesia sequence. Identifiers: Orphanet 994, MedGen C1276035, MONDO:0100101, OMIM 208150, HP:0001989.
Congenital myasthenic syndrome 9. Also called: Myasthenic syndrome, congenital, 9, associated with acetylcholine receptor deficiency. Identifiers: Orphanet 590, MedGen C4225368, MONDO:0014587, OMIM 616325.

Submission:

Labcorp Genetics (formerly Invitae), Labcorp
Classification: Uncertain significance for Congenital myasthenic syndrome 9; Fetal akinesia deformation sequence 1. Last evaluated: 2022-08-16. Review status: criteria provided, single submitter. Criteria: Invitae Variant Classification Sherloc (09022015). Collection method: clinical testing. Allele origin: germline.
Comment: In summary, the available evidence is currently insufficient to determine the role of this variant in disease. Therefore, it has been classified as a Variant of Uncertain Significance. Advanced modeling of protein sequence and biophysical properties (such as structural, functional, and spatial information, amino acid conservation, physicochemical variation, residue mobility, and thermodynamic stability) performed at Invitae indicates that this missense variant is expected to disrupt MUSK protein function. This variant has not been reported in the literature in individuals affected with MUSK-related conditions. This variant is not present in population databases (gnomAD no frequency). This sequence change replaces isoleucine, which is neutral and non-polar, with lysine, which is basic and polar, at codon 497 of the MUSK protein (p.Ile497Lys).